The following is an entry in ClinVar:

NM_001009944.3(PKD1):c.12287G>A (p.Trp4096Ter)

Gene: PKD1 (polycystin 1, transient receptor potential channel interacting; minus strand). Cytogenetic location: 16p13.3.
Variant type: single nucleotide variant.
Coding change: c.12287G>A on transcript NM_001009944.3 (MANE Select); coding-DNA position 12287, G replaced by A.
Protein change: p.Trp4096Ter; replaces tryptophan 4096 with a stop codon.
Molecular consequence: nonsense.
Genome position (GRCh38, 1-based): chr16:2,090,442, C>T on the plus strand (G>A on the coding strand, the complement: PKD1 is on the minus strand). VCF-style: chr16-2090442-C-T. GRCh37 (hg19) VCF-style: chr16-2140443-C-T.
Other names: c.12284G>A, p.Trp4095Ter (NM_000296.4); short protein forms W4095*, W4096*.
Identifiers: ClinVar variation 3600910 (VCV003600910.1).

ClinVar aggregate classification (germline): Pathogenic (1 of 4 stars; one submission).

Submission:

GeneDx
Classification: Pathogenic. Last evaluated: 2024-07-22. Review status: criteria provided, single submitter. Criteria: GeneDx Variant Classification Process June 2021. Collection method: clinical testing. Allele origin: germline. Affected: yes.
Comment: Nonsense variant predicted to result in protein truncation or nonsense mediated decay in a gene for which loss of function is a known mechanism of disease; Not observed at significant frequency in large population cohorts (gnomAD); This variant is associated with the following publications: (PMID: 22508176)